The following is an entry in ClinVar:

NM_005633.4(SOS1):c.1600A>G (p.Lys534Glu)

Gene: SOS1 (SOS Ras/Rac guanine nucleotide exchange factor 1; minus strand). Cytogenetic location: 2p22.1.
Variant type: single nucleotide variant.
Coding change: c.1600A>G on transcript NM_005633.4 (MANE Select); coding-DNA position 1600, A replaced by G.
Protein change: p.Lys534Glu; replaces lysine 534 with glutamic acid.
Molecular consequence: missense variant.
Genome position (GRCh38, 1-based): chr2:39,022,828, T>C on the plus strand (A>G on the coding strand, the complement: SOS1 is on the minus strand). VCF-style: chr2-39022828-T-C. GRCh37 (hg19) VCF-style: chr2-39249969-T-C.
Other names: c.1579A>G, p.Lys527Glu (NM_001382394.1); c.1600A>G, p.Lys534Glu (NM_001382395.1); short protein forms K527E, K534E.
Identifiers: ClinVar variation 1696275 (VCV001696275.4), dbSNP rs1669840891, ClinGen allele CA346365800.
Genomic context (GRCh38, chr2:39,022,828, plus strand): 5'-GCATCCTTTCCAGTGTACTCCGGTACTGTAAAGATATCAATGCTGCCATCCAATTGTTTT[T>C]CTCTTCAGCTGACTTGGCAGAAAATATAACACTATTTTCATCTTTTAAAATTATTTCAAA-3'
Protein context (NP_005624.2, residues 524-544): VIFSAKSAEE[Lys534Glu]NNWMAALISL

ClinVar aggregate classification (germline): Uncertain significance. Review status: criteria provided, multiple submitters, no conflicts (2 of 4 stars). 3 submissions from 3 submitters: Uncertain significance (3). Last evaluated 2025-09-03.

Conditions:
SOS1-related disorder. Also called: SOS1-related condition.

Allele frequency attached by ClinVar (database versions not stated): TOPMed below 0.00001.

Submissions (3):

PreventionGenetics, part of Exact Sciences
Classification: Uncertain significance for SOS1-related condition. Last evaluated: 2025-09-03. Review status: criteria provided, single submitter. Criteria: ACMG Guidelines, 2015. Collection method: clinical testing. Allele origin: germline.
Comment: The SOS1 c.1600A>G variant is predicted to result in the amino acid substitution p.Lys534Glu. To our knowledge, this variant has not been reported in the literature or in a large population database (gnomAD), indicating this variant is rare. At this time, the clinical significance of this variant is uncertain due to the absence of conclusive functional and genetic evidence.

GeneDx
Classification: Uncertain significance. Last evaluated: 2025-06-25. Review status: criteria provided, single submitter. Criteria: GeneDx Variant Classification Process June 2021. Collection method: clinical testing. Allele origin: germline. Affected: yes.
Comment: Not observed at significant frequency in large population cohorts (gnomAD); Missense variants in this gene are a common cause of disease and they are underrepresented in the general population; In silico analysis supports that this missense variant has a deleterious effect on protein structure/function; Has not been previously published as pathogenic or benign to our knowledge; This variant is associated with the following publications: (PMID: 29493581)

Women's Health and Genetics/Laboratory Corporation of America, LabCorp
Classification: Uncertain significance. Last evaluated: 2022-05-21. Review status: criteria provided, single submitter. Criteria: LabCorp Variant Classification Summary - May 2015. Collection method: clinical testing. Allele origin: germline.